The following is an entry in ClinVar:

ClinVar aggregate classification (germline): Likely benign (1 of 4 stars; one submission).

Allele frequency attached by ClinVar (database versions not stated): gnomAD exomes 0.00053 and 0.00088; ExAC 0.00164; 1000 Genomes Project 30x 0.01218; TOPMed 0.01032; gnomAD 0.00988 and 0.00916; 1000 Genomes Project 0.00998.

Submission:

GeneDx
Classification: Likely benign. Last evaluated: 2018-06-14. Review status: criteria provided, single submitter. Criteria: GeneDx Variant Classification (06012015). Collection method: clinical testing. Allele origin: germline. Affected: yes.
Comment: This variant is considered likely benign or benign based on one or more of the following criteria: it is a conservative change, it occurs at a poorly conserved position in the protein, it is predicted to be benign by multiple in silico algorithms, and/or has population frequency not consistent with disease.

NM_001018005.2(TPM1):c.240+4332del

Genes: TPM1 (tropomyosin 1; plus strand), TPM1-AS (TPM1 antisense RNA; minus strand), LOC130057222 (ATAC-STARR-seq lymphoblastoid silent region 6507; plus strand). Cytogenetic location: 15q22.2.
Variant type: Deletion.
Coding change: c.240+4332del on transcript NM_001018005.2 (MANE Select); 4332 bases into the intron after coding-DNA position 240, one base deleted (T; older notation c.240+4332delT).
Molecular consequence: intron variant. On other transcripts: non-coding transcript variant (1).
Genome position (GRCh38, 1-based): chr15:63,048,484, T deleted. VCF-style (leftmost placement, unchanged base first): chr15-63048483-CT-C. GRCh37 (hg19) VCF-style: chr15-63340682-CT-C.
Other names: c.366+4332del (NM_001365778.1); c.240+4653del (NM_001018020.2, NM_001018007.2, NM_001301244.2); c.240+4332del (NM_001018006.2, NM_001365776.1, NM_001018004.2 and 3 more transcripts).
Identifiers: ClinVar variation 675680 (VCV000675680.1), dbSNP rs146654937, ClinGen allele CA028224.